The following is an entry in ClinVar:

NM_006648.4(WNK2):c.5180G>T (p.Gly1727Val)

Gene: WNK2 (WNK lysine deficient protein kinase 2; plus strand). Cytogenetic location: 9q22.31.
Variant type: single nucleotide variant.
Coding change: c.5180G>T on transcript NM_006648.4 (MANE Select); coding-DNA position 5180, G replaced by T.
Protein change: p.Gly1727Val; replaces glycine 1727 with valine.
Molecular consequence: missense variant.
Genome position (GRCh38, 1-based): chr9:93,292,645, G>T. VCF-style: chr9-93292645-G-T. GRCh37 (hg19) VCF-style: chr9-96054927-G-T.
Other names: c.5291G>T, p.Gly1764Val (NM_001282394.3); short protein forms G1764V, G1727V.
Identifiers: ClinVar variation 5031902 (VCV005031902.1).

ClinVar aggregate classification (germline): Uncertain significance (1 of 4 stars; one submission).

Submission:

Ambry Genetics
Classification: Uncertain significance. Last evaluated: 2026-08-04. Review status: criteria provided, single submitter. Criteria: Ambry Variant Classification Scheme 2023. Collection method: clinical testing. Allele origin: germline.
Comment: The p.G1727V variant (also known as c.5180G>T), located in coding exon 22 of the WNK2 gene, results from a G to T substitution at nucleotide position 5180. The glycine at codon 1727 is replaced by valine, an amino acid with dissimilar properties. This amino acid position is conserved. In addition, this alteration is predicted to be tolerated by in silico analysis. Based on the available evidence, the clinical significance of this variant remains unclear.